The following is an entry in ClinVar:

NM_017852.5(NLRP2):c.398-6T>G

Gene: NLRP2 (NLR family pyrin domain containing 2; plus strand). Cytogenetic location: 19q13.42.
Variant type: single nucleotide variant.
Coding change: c.398-6T>G on transcript NM_017852.5 (MANE Select); 6 bases into the intron before coding-DNA position 398, T replaced by G.
Molecular consequence: intron variant.
Genome position (GRCh38, 1-based): chr19:54,981,611, T>G. VCF-style: chr19-54981611-T-G. GRCh37 (hg19) VCF-style: chr19-55492979-T-G.
Other names: c.398-6T>G (NM_001174081.3); c.398-15T>G (NM_001348003.2); c.398-551T>G (NM_001174082.3); c.329-6T>G (NM_001174083.2).
Identifiers: ClinVar variation 2500652 (VCV002500652.1), dbSNP rs2516585347, ClinGen allele CA2580097795.
Genomic context (GRCh38, chr19:54,981,611, plus strand): 5'-TAATTGGGACTCCACAGGAAATACACCTGATTTTGTGTCAATCTCACATGAGTTTGTATT[T>G]TGTAGCGTTTACAGAAACGAAAGGAAATGTCATCTGCCTGGGTAAAGAAGTCTTTAAAGG-3'

ClinVar aggregate classification (germline): Uncertain significance (1 of 4 stars; one submission).

Submission:

GeneDx
Classification: Uncertain significance. Last evaluated: 2022-10-26. Review status: criteria provided, single submitter. Criteria: GeneDx Variant Classification Process June 2021. Collection method: clinical testing. Allele origin: germline. Affected: yes.
Comment: Not observed at significant frequency in large population cohorts (gnomAD); In silico analysis is inconclusive as to whether the variant alters gene splicing. In the absence of RNA/functional studies, the actual effect of this sequence change is unknown.; Has not been previously published as pathogenic or benign to our knowledge